The following is an entry in ClinVar:

NM_014714.4(IFT140):c.1541T>A (p.Leu514His)

Gene: IFT140 (intraflagellar transport 140; minus strand). Cytogenetic location: 16p13.3.
Variant type: single nucleotide variant.
Coding change: c.1541T>A on transcript NM_014714.4 (MANE Select); coding-DNA position 1541, T replaced by A.
Protein change: p.Leu514His; replaces leucine 514 with histidine.
Molecular consequence: missense variant.
Genome position (GRCh38, 1-based): chr16:1,571,518, A>T on the plus strand (T>A on the coding strand, the complement: IFT140 is on the minus strand). VCF-style: chr16-1571518-A-T. GRCh37 (hg19) VCF-style: chr16-1621519-A-T.
Other names: short protein forms L514H.
Identifiers: ClinVar variation 288049 (VCV000288049.40), dbSNP rs150903791, ClinGen allele CA7814227.

ClinVar aggregate classification (germline): Benign/Likely benign. Review status: criteria provided, multiple submitters, no conflicts (2 of 4 stars). 7 submissions from 7 submitters: Benign (2); Likely benign (4). 1 of the submissions does not count toward it. Last evaluated 2026-03-01.

Conditions:
IFT140-related disorder. Also called: IFT140-related condition.
Saldino-Mainzer syndrome (SRTD9). Also called: Renal dysplasia, retinal pigmentary dystrophy, cerebellar ataxia and skeletal dysplasia; SHORT-RIB THORACIC DYSPLASIA 9 WITHOUT POLYDACTYLY; short-rib thoracic dysplasia 9 with or without polydactyly; CONORENAL SYNDROME. Identifiers: Orphanet 140969, MedGen C1849437, MONDO:0009964, OMIM 266920.

Allele frequency attached by ClinVar (database versions not stated): ESP Exome Variant Server 0.00169; 1000 Genomes Project 30x 0.00172; TOPMed 0.00172; 1000 Genomes Project 0.00200; gnomAD 0.00297 and 0.00305; gnomAD exomes 0.00419; ExAC 0.00431.
gnomAD v4.1: 4,757 of 1,612,648 alleles (0.29%); highest among the groups gnomAD compares: Middle Eastern, 2.4%; 23 homozygotes.

Submissions (7):

CeGaT Center for Human Genetics Tuebingen
Classification: Likely benign. Last evaluated: 2026-03-01. Review status: criteria provided, single submitter. Criteria: CeGaT Center For Human Genetics Tuebingen Variant Classification Criteria Version 2. Collection method: clinical testing. Allele origin: germline. Affected: yes. Observed: 11 variant alleles.
Comment: IFT140: BS2

Blueprint Genetics
Classification: Likely benign. Last evaluated: 2024-11-21. Review status: criteria provided, single submitter. Criteria: ACMG Guidelines, 2015. Collection method: clinical testing. Allele origin: germline.

Labcorp Genetics (formerly Invitae), Labcorp
Classification: Benign for Renal dysplasia, retinal pigmentary dystrophy, cerebellar ataxia and skeletal dysplasia. Last evaluated: 2019-12-31. Review status: criteria provided, single submitter. Criteria: Invitae Variant Classification Sherloc (09022015). Collection method: clinical testing. Allele origin: germline.

Illumina Laboratory Services, Illumina
Classification: Likely benign for Saldino-Mainzer syndrome. Last evaluated: 2018-01-12. Review status: criteria provided, single submitter. Criteria: ICSL Variant Classification Criteria 13 December 2019. Collection method: clinical testing. Allele origin: germline.
Comment: This variant was observed in the ICSL laboratory as part of a predisposition screen in an ostensibly healthy population. It had not been previously curated by ICSL or reported in the Human Gene Mutation Database (HGMD: prior to June 1st, 2018), and was therefore a candidate for classification through an automated scoring system. Utilizing variant allele frequency, disease prevalence and penetrance estimates, and inheritance mode, an automated score was calculated to assess if this variant is too frequent to cause the disease. Based on the score and internal cut-off values, a variant classified as likely benign is not then subjected to further curation. The score for this variant resulted in a classification of likely benign for this disease.

Eurofins Ntd Llc (ga)
Classification: Benign. Last evaluated: 2016-09-08. Review status: criteria provided, single submitter. Criteria: EGL Classification Definitions 2015. Collection method: clinical testing. Allele origin: germline. Observed: 4 variant alleles, 4 heterozygotes.

Breakthrough Genomics
Classification: Likely benign. Review status: criteria provided, single submitter. Criteria: ACMG Guidelines, 2015. Collection method: not provided. Allele origin: germline. Inheritance: Autosomal recessive inheritance. Affected: yes.

PreventionGenetics, part of Exact Sciences
Classification: Likely benign for IFT140-related condition. Last evaluated: 2019-04-29. Review status: no assertion criteria provided. Collection method: clinical testing. Allele origin: germline. Not counted in ClinVar's aggregate classification.
Comment: This variant is classified as likely benign based on ACMG/AMP sequence variant interpretation guidelines (Richards et al. 2015 PMID: 25741868, with internal and published modifications).